The following is an entry in ClinVar:

NM_006231.4(POLE):c.5578_5583del (p.Gly1860_Ser1861del)

Gene: POLE (DNA polymerase epsilon, catalytic subunit; minus strand). Cytogenetic location: 12q24.33.
Variant type: Deletion.
Coding change: c.5578_5583del on transcript NM_006231.4 (MANE Select); coding-DNA positions 5578 to 5583, 6 bases deleted (GGGTCA; older notation c.5578_5583delGGGTCA).
Protein change: p.Gly1860_Ser1861del.
Molecular consequence: inframe deletion.
Genome position (GRCh38, 1-based): chr12:132,638,109-132,638,114, TGACCC deleted on the plus strand (GGGTCA on the coding strand, the reverse complement: POLE is on the minus strand). VCF-style (leftmost placement, unchanged base first): chr12-132638108-ATGACCC-A. GRCh37 (hg19) VCF-style: chr12-133214694-ATGACCC-A.
Identifiers: ClinVar variation 948301 (VCV000948301.7), dbSNP rs2042071079, ClinGen allele CA1139662961.
Genomic context (GRCh38, chr12:132,638,108, plus strand): 5'-CTTCCACACGGCGCTTCTTTGTACAGAGGATGATGCGGTTGAAGTTGGCGTAGATGACTG[ATGACCC>A]CAGGCGCTTGAACTCAGCGATGAGCCTGTGGAGCAAGTTGAGAGTCCGTGGTGGAGACGC-3'

ClinVar aggregate classification (germline): Uncertain significance (1 of 4 stars; one submission).

Submission:

Labcorp Genetics (formerly Invitae), Labcorp
Classification: Uncertain significance. Last evaluated: 2025-05-06. Review status: criteria provided, single submitter. Criteria: Invitae Variant Classification Sherloc (09022015). Collection method: clinical testing. Allele origin: germline.
Comment: This variant, c.5578_5583del, results in the deletion of 2 amino acid(s) of the POLE protein (p.Gly1860_Ser1861del), but otherwise preserves the integrity of the reading frame. This variant is not present in population databases (gnomAD no frequency). This variant has not been reported in the literature in individuals affected with POLE-related conditions. ClinVar contains an entry for this variant (Variation ID: 948301). Experimental studies and prediction algorithms are not available or were not evaluated, and the functional significance of this variant is currently unknown. In summary, the available evidence is currently insufficient to determine the role of this variant in disease. Therefore, it has been classified as a Variant of Uncertain Significance.